The following is an entry in ClinVar:

ClinVar aggregate classification (germline): Pathogenic (1 of 4 stars; one submission).

Conditions:
Mucopolysaccharidosis, MPS-II (MPS2). Also called: Hunter Syndrome; IDURONATE 2-SULFATASE DEFICIENCY; Mucopolysaccharidosis Type II; Mucopolysaccharidosis type 2; Attenuated MPS (subtype; formerly known as mild MPS II); Severe MPS II. Identifiers: Orphanet 580, Orphanet 79388, MedGen C0026705, MONDO:0010674, OMIM 309900.

Submission:

Laboratory of Diagnosis and Therapy of Lysosomal Disorders, University of Padova
Classification: Pathogenic for Mucopolysaccharidosis, MPS-II. Last evaluated: 2024-06-07. Review status: criteria provided, single submitter. Criteria: ACMG Guidelines, 2015. Collection method: literature only. Allele origin: germline. Affected: yes. Observed: 1 variant allele.
Comment: Absent from controls (or at low frequency) in gnomAD database (PM2_Moderate), Missense change at the same amino acid residue as a pathogenic variant (PM5_Moderate), Missense variant in a gene with a low rate of benign missense variation (PP2_Supporting), Multiple lines of computational evidence support a deleterious effect (PP3_Supporting), Patient’s phenotype or family history highly specific for the disease (PP4_Strong)

Classification method: ACMG Guidelines [PMID:25741868] with modifications

Literature cited by the submitters: PubMed 27146977.

NM_000202.8(IDS):c.455G>T (p.Ser152Ile)

Genes: IDS (iduronate 2-sulfatase; minus strand), LOC106050102 (IDS recombination region; plus strand). Cytogenetic location: Xq28.
Variant type: single nucleotide variant.
Coding change: c.455G>T on transcript NM_000202.8 (MANE Select); coding-DNA position 455, G replaced by T.
Protein change: p.Ser152Ile; replaces serine 152 with isoleucine.
Molecular consequence: missense variant. On other transcripts: non-coding transcript variant (1).
Genome position (GRCh38, 1-based): chrX:149,501,001, C>A on the plus strand (G>T on the coding strand, the complement: IDS is on the minus strand). VCF-style: chrX-149501001-C-A. GRCh37 (hg19) VCF-style: chrX-148582532-C-A.
Other names: c.185G>T, p.Ser62Ile (NM_001166550.4); c.455G>T, p.Ser152Ile (NM_006123.5); short protein forms S152I, S62I.
Identifiers: ClinVar variation 3255739 (VCV003255739.2).